The following is an entry in ClinVar:

ClinVar aggregate classification (germline): Likely benign (1 of 4 stars; one submission).

gnomAD v4.1: 29 of 1,207,593 alleles (0.0024%); highest among the groups gnomAD compares: South Asian, 0.05%; no homozygotes.

Submission:

CeGaT Center for Human Genetics Tuebingen
Classification: Likely benign. Last evaluated: 2025-04-01. Review status: criteria provided, single submitter. Criteria: CeGaT Center For Human Genetics Tuebingen Variant Classification Criteria Version 2. Collection method: clinical testing. Allele origin: germline. Affected: yes. Observed: 1 variant allele.
Comment: EIF2S3: BP4, BP7, BS2

NM_001415.4(EIF2S3):c.630T>C (p.Phe210=)

Gene: EIF2S3 (eukaryotic translation initiation factor 2 subunit gamma; plus strand). Cytogenetic location: Xp22.11.
Variant type: single nucleotide variant.
Coding change: c.630T>C on transcript NM_001415.4 (MANE Select); coding-DNA position 630, T replaced by C.
Protein change: p.Phe210=; no amino-acid change (phenylalanine 210 retained).
Molecular consequence: synonymous variant.
Genome position (GRCh38, 1-based): chrX:24,062,567, T>C. VCF-style: chrX-24062567-T-C. GRCh37 (hg19) VCF-style: chrX-24080684-T-C.
Identifiers: ClinVar variation 3898510 (VCV003898510.7).